The following is an entry in ClinVar:

ClinVar aggregate classification (germline): Uncertain significance (1 of 4 stars; one submission).

Submission:

Labcorp Genetics (formerly Invitae), Labcorp
Classification: Uncertain significance. Last evaluated: 2026-01-03. Review status: criteria provided, single submitter. Criteria: Invitae Variant Classification Sherloc (09022015). Collection method: clinical testing. Allele origin: germline.
Comment: This sequence change falls in intron 8 of the C2CD3 gene. It does not directly change the encoded amino acid sequence of the C2CD3 protein. It affects a nucleotide within the consensus splice site. This variant is present in population databases (rs763613427, gnomAD 0.0009%). This variant has not been reported in the literature in individuals affected with C2CD3-related conditions. Variants that disrupt the consensus splice site are a relatively common cause of aberrant splicing (PMID: 17576681, 9536098). Algorithms developed to predict the effect of sequence changes on RNA splicing suggest that this variant may disrupt the consensus splice site. In summary, the available evidence is currently insufficient to determine the role of this variant in disease. Therefore, it has been classified as a Variant of Uncertain Significance.

Literature cited by the submitters: PubMed 17576681; PubMed 9536098.

NM_001286577.2(C2CD3):c.1365+5G>A

Gene: C2CD3 (C2 domain containing 3 centriole elongation regulator; minus strand). Cytogenetic location: 11q13.4.
Variant type: single nucleotide variant.
Coding change: c.1365+5G>A on transcript NM_001286577.2 (MANE Select); 5 bases into the intron after coding-DNA position 1365, G replaced by A.
Molecular consequence: intron variant.
Genome position (GRCh38, 1-based): chr11:74,122,983, C>T on the plus strand (G>A on the coding strand, the complement: C2CD3 is on the minus strand). VCF-style: chr11-74122983-C-T. GRCh37 (hg19) VCF-style: chr11-73834028-C-T.
Other names: c.1365+5G>A (NM_015531.6).
Identifiers: ClinVar variation 4774916 (VCV004774916.1).